The following is an entry in ClinVar:

ClinVar aggregate classification (germline): Uncertain significance (1 of 4 stars; one submission).

Conditions:
Inborn genetic diseases. Identifiers: MedGen C0950123, MeSH D030342.

gnomAD v4.1: 5 of 1,582,534 alleles (0.00032%); highest among the groups gnomAD compares: South Asian, 0.0023%; no homozygotes.

Submission:

Ambry Genetics
Classification: Uncertain significance for Inborn genetic diseases. Last evaluated: 2025-10-15. Review status: criteria provided, single submitter. Criteria: Ambry Variant Classification Scheme 2023. Collection method: clinical testing. Allele origin: germline.
Comment: The c.80A>G (p.Y27C) alteration is located in exon 2 (coding exon 2) of the DNAJB11 gene. This alteration results from a A to G substitution at nucleotide position 80, causing the tyrosine (Y) at amino acid position 27 to be replaced by a cysteine (C). Based on data from gnomAD, the G allele has an overall frequency of <0.001% (1/224906) total alleles studied. The highest observed frequency was 0.004% (1/25176) of South Asian alleles. Based on insufficient or conflicting evidence, the clinical significance of this alteration remains unclear.

NM_016306.6(DNAJB11):c.80A>G (p.Tyr27Cys)

Gene: DNAJB11 (DnaJ heat shock protein family (Hsp40) member B11; plus strand). Cytogenetic location: 3q27.3.
Variant type: single nucleotide variant.
Coding change: c.80A>G on transcript NM_016306.6 (MANE Select); coding-DNA position 80, A replaced by G.
Protein change: p.Tyr27Cys; replaces tyrosine 27 with cysteine.
Molecular consequence: missense variant. On other transcripts: non-coding transcript variant (6).
Genome position (GRCh38, 1-based): chr3:186,572,106, A>G. VCF-style: chr3-186572106-A-G. GRCh37 (hg19) VCF-style: chr3-186289895-A-G.
Other names: c.80A>G, p.Tyr27Cys (NM_001378451.1); short protein forms Y27C.
Identifiers: ClinVar variation 4617700 (VCV004617700.1).